The following is an entry in ClinVar:

NM_001127222.2(CACNA1A):c.6189+3G>A

Gene: CACNA1A (calcium voltage-gated channel subunit alpha1 A; minus strand). Cytogenetic location: 19p13.13.
Variant type: single nucleotide variant.
Coding change: c.6189+3G>A on transcript NM_001127222.2 (MANE Select); 3 bases into the intron after coding-DNA position 6189, G replaced by A.
Molecular consequence: intron variant.
Genome position (GRCh38, 1-based): chr19:13,212,381, C>T on the plus strand (G>A on the coding strand, the complement: CACNA1A is on the minus strand). VCF-style: chr19-13212381-C-T. GRCh37 (hg19) VCF-style: chr19-13323195-C-T.
Other names: c.6192+3G>A (NM_001127221.2); c.6198+3G>A (NM_001174080.2); c.6207+3G>A (NM_000068.4, NM_023035.3).
Identifiers: ClinVar variation 2943098 (VCV002943098.3), dbSNP rs2512535446, ClinGen allele CA2740091925.

ClinVar aggregate classification (germline): Uncertain significance (1 of 4 stars; one submission).

Conditions:
Episodic ataxia type 2 (EA2). Also called: CEREBELLAR ATAXIA, PAROXYSMAL, ACETAZOLAMIDE-RESPONSIVE; CEREBELLOPATHY, HEREDITARY PAROXYSMAL; EPISODIC ATAXIA, NYSTAGMUS-ASSOCIATED; ACETAZOLAMIDE-RESPONSIVE HEREDITARY PAROXYSMAL CEREBELLAR ATAXIA; ATAXIA, EPISODIC, WITH NYSTAGMUS; ATAXIA, FAMILIAL PAROXYSMAL. Identifiers: Orphanet 97, MedGen C1720416, MONDO:0007163, OMIM 108500.
Developmental and epileptic encephalopathy, 42 (DEE42A). Also called: Epileptic encephalopathy, early infantile, 42; DEVELOPMENTAL AND EPILEPTIC ENCEPHALOPATHY 42A; EPILEPTIC ENCEPHALOPATHY, EARLY INFANTILE, 42A. Identifiers: MedGen C4310716, MONDO:0014917, OMIM 617106.

Submission:

Labcorp Genetics (formerly Invitae), Labcorp
Classification: Uncertain significance for Developmental and epileptic encephalopathy, 42; Episodic ataxia type 2. Last evaluated: 2023-01-11. Review status: criteria provided, single submitter. Criteria: Invitae Variant Classification Sherloc (09022015). Collection method: clinical testing. Allele origin: germline.
Comment: This sequence change falls in intron 42 of the CACNA1A gene. It does not directly change the encoded amino acid sequence of the CACNA1A protein. It affects a nucleotide within the consensus splice site. This variant is not present in population databases (gnomAD no frequency). This variant has not been reported in the literature in individuals affected with CACNA1A-related conditions. Variants that disrupt the consensus splice site are a relatively common cause of aberrant splicing (PMID: 17576681, 9536098). Algorithms developed to predict the effect of sequence changes on RNA splicing suggest that this variant is not likely to affect RNA splicing. In summary, the available evidence is currently insufficient to determine the role of this variant in disease. Therefore, it has been classified as a Variant of Uncertain Significance.

Literature cited by the submitters: PubMed 17576681; PubMed 9536098.